The following is an entry in ClinVar:

ClinVar aggregate classification (germline): Uncertain significance (1 of 4 stars; one submission).

Conditions:
Joubert syndrome. Also called: CEREBELLOPARENCHYMAL DISORDER IV; JOUBERT-BOLTSHAUSER SYNDROME; Familial aplasia of the vermis. Identifiers: Orphanet 475, MedGen C5979921, MONDO:0018772.
Meckel-Gruber syndrome. Also called: DYSENCEPHALIA SPLANCHNOCYSTICA; GRUBER SYNDROME; Dysencephalia splachnocystica. Identifiers: Orphanet 564, MedGen C0265215, MONDO:0018921.

Allele frequency attached by ClinVar (database versions not stated): ExAC 0.00001; gnomAD 0.00001.

Submission:

Labcorp Genetics (formerly Invitae), Labcorp
Classification: Uncertain significance for Joubert syndrome; Meckel-Gruber syndrome. Last evaluated: 2022-04-26. Review status: criteria provided, single submitter. Criteria: Invitae Variant Classification Sherloc (09022015). Collection method: clinical testing. Allele origin: germline.
Comment: This sequence change replaces serine, which is neutral and polar, with tryptophan, which is neutral and slightly polar, at codon 61 of the TMEM67 protein (p.Ser61Trp). This variant is present in population databases (rs746906232, gnomAD 0.007%). This variant has not been reported in the literature in individuals affected with TMEM67-related conditions. Advanced modeling of protein sequence and biophysical properties (such as structural, functional, and spatial information, amino acid conservation, physicochemical variation, residue mobility, and thermodynamic stability) performed at Invitae indicates that this missense variant is expected to disrupt TMEM67 protein function. In summary, the available evidence is currently insufficient to determine the role of this variant in disease. Therefore, it has been classified as a Variant of Uncertain Significance.

NM_153704.6(TMEM67):c.182C>G (p.Ser61Trp)

Gene: TMEM67 (transmembrane protein 67; plus strand). Cytogenetic location: 8q22.1.
Variant type: single nucleotide variant.
Coding change: c.182C>G on transcript NM_153704.6 (MANE Select); coding-DNA position 182, C replaced by G.
Protein change: p.Ser61Trp; replaces serine 61 with tryptophan.
Molecular consequence: missense variant. On other transcripts: 5 prime UTR variant (1), non-coding transcript variant (1).
Genome position (GRCh38, 1-based): chr8:93,755,096, C>G. VCF-style: chr8-93755096-C-G. GRCh37 (hg19) VCF-style: chr8-94767324-C-G.
Other names: c.-103C>G (NM_001142301.1); short protein forms S61W.
Identifiers: ClinVar variation 1952561 (VCV001952561.2), dbSNP rs746906232, ClinGen allele CA4807530.